The following is an entry in ClinVar:

ClinVar aggregate classification (germline): Conflicting classifications of pathogenicity. Review status: criteria provided, conflicting classifications (1 of 4 stars). 2 submissions from 2 submitters: Uncertain significance (1); Likely benign (1). Last evaluated 2025-01-10.

Allele frequency attached by ClinVar (database versions not stated): gnomAD exomes below 0.00001.
gnomAD v4.1: 1 of 1,614,252 alleles (0.000062%); highest among the groups gnomAD compares: Non-Finnish European, 0.000085%; no homozygotes.

Submissions (2):

GeneDx
Classification: Uncertain significance. Last evaluated: 2025-01-10. Review status: criteria provided, single submitter. Criteria: GeneDx Variant Classification Process June 2021. Collection method: clinical testing. Allele origin: germline. Affected: yes.
Comment: Not observed at significant frequency in large population cohorts (gnomAD); In silico analysis indicates that this missense variant does not alter protein structure/function; Has not been previously published as pathogenic or benign to our knowledge

Labcorp Genetics (formerly Invitae), Labcorp
Classification: Likely benign. Last evaluated: 2023-12-06. Review status: criteria provided, single submitter. Criteria: Invitae Variant Classification Sherloc (09022015). Collection method: clinical testing. Allele origin: germline.

NM_001375524.1(TRRAP):c.10412A>G (p.Lys3471Arg)

Gene: TRRAP (transformation/transcription domain associated protein; plus strand). Cytogenetic location: 7q22.1.
Variant type: single nucleotide variant.
Coding change: c.10412A>G on transcript NM_001375524.1 (MANE Select); coding-DNA position 10412, A replaced by G.
Protein change: p.Lys3471Arg; replaces lysine 3471 with arginine.
Molecular consequence: missense variant.
Genome position (GRCh38, 1-based): chr7:99,004,292, A>G. VCF-style: chr7-99004292-A-G. GRCh37 (hg19) VCF-style: chr7-98601915-A-G.
Other names: c.10370A>G, p.Lys3457Arg (NM_001244580.2); c.10283A>G, p.Lys3428Arg (NM_003496.4); c.10283A>G (NM_003496.3); short protein forms K3428R, K3457R, K3471R.
Identifiers: ClinVar variation 2872010 (VCV002872010.4), dbSNP rs2485055925, ClinGen allele CA368335699.
Genomic context (GRCh38, chr7:99,004,292, plus strand): 5'-TTATTTCTAAGTTGAAAAAGTGGATCAAAATCTTGGAGGCCAAGACCAAGCAACTCCCCA[A>G]ATTCTTCCTCATAGAGGAAAAGTGCCGGTTCTTGAGCAATTTCTCGGCACAGACAGCTGA-3'
Protein context (NP_001362453.1, residues 3461-3481): ILEAKTKQLP[Lys3471Arg]FFLIEEKCRF